The following is an entry in ClinVar:

NM_014236.4(GNPAT):c.924+14A>G

Gene: GNPAT (glyceronephosphate O-acyltransferase; plus strand). Cytogenetic location: 1q42.2.
Variant type: single nucleotide variant.
Coding change: c.924+14A>G on transcript NM_014236.4 (MANE Select); 14 bases into the intron after coding-DNA position 924, A replaced by G.
Molecular consequence: intron variant.
Genome position (GRCh38, 1-based): chr1:231,266,179, A>G. VCF-style: chr1-231266179-A-G. GRCh37 (hg19) VCF-style: chr1-231401925-A-G.
Other names: c.741+14A>G (NM_001316350.2).
Identifiers: ClinVar variation 508001 (VCV000508001.4), dbSNP rs1553337020, ClinGen allele CA658795617.

ClinVar aggregate classification (germline): Likely benign. Review status: criteria provided, multiple submitters, no conflicts (2 of 4 stars). 2 submissions from 2 submitters: Likely benign (2). Last evaluated 2024-01-12.

Allele frequency attached by ClinVar (database versions not stated): gnomAD exomes below 0.00001.
gnomAD v4.1: 1 of 1,613,478 alleles (0.000062%); highest among the groups gnomAD compares: African/African-American, 0.0013%; no homozygotes.

Submissions (2):

Labcorp Genetics (formerly Invitae), Labcorp
Classification: Likely benign. Last evaluated: 2024-01-12. Review status: criteria provided, single submitter. Criteria: Invitae Variant Classification Sherloc (09022015). Collection method: clinical testing. Allele origin: germline.

GeneDx
Classification: Likely benign. Last evaluated: 2017-03-09. Review status: criteria provided, single submitter. Criteria: GeneDx Variant Classification (06012015). Collection method: clinical testing. Allele origin: germline. Affected: yes.
Comment: This variant is considered likely benign or benign based on one or more of the following criteria: it is a conservative change, it occurs at a poorly conserved position in the protein, it is predicted to be benign by multiple in silico algorithms, and/or has population frequency not consistent with disease.